The following is an entry in ClinVar:

ClinVar aggregate classification (germline): Benign (1 of 4 stars; one submission).

Submission:

Mayo Clinic Laboratories, Mayo Clinic
Classification: Benign. Last evaluated: 2024-05-23. Review status: criteria provided, single submitter. Criteria: ACMG Guidelines, 2015. Collection method: clinical testing. Allele origin: germline. Observed: 124 variant alleles.
Comment: BA1, BP4, BP7

NM_001025356.3(ANO6):c.1165+21del

Gene: ANO6 (anoctamin 6; plus strand). Cytogenetic location: 12q12.
Variant type: Deletion.
Coding change: c.1165+21del on transcript NM_001025356.3 (MANE Select); 21 bases into the intron after coding-DNA position 1165, one base deleted (T; older notation c.1165+21delT).
Molecular consequence: intron variant.
Genome position (GRCh38, 1-based): chr12:45,378,134, T deleted; the last of 16 consecutive T bases (chr12:45,378,119-45,378,134); deleting any one gives the same sequence. VCF-style (leftmost placement, unchanged base first): chr12-45378118-GT-G. GRCh37 (hg19) VCF-style: chr12-45771901-GT-G.
Other names: p.?; c.1165+21del (NM_001142679.2); c.1228+21del (NM_001204803.2); c.1132+21del (NM_001410973.1); c.1111+21del (NM_001142678.2).
Identifiers: ClinVar variation 4683749 (VCV004683749.1).
Genomic context (GRCh38, chr12:45,378,118, plus strand): 5'-GTGCATCTTCGACAGTTTTGGAACCCTGGTCTTTGCAGTATTTATGGGAGTATGGGGTAA[GT>G]TTTTTTTTTTTTTTTCATGCACTCAATTTGATAGTATTACACAGTTTTATGTAGGCTATC-3'